The following is an entry in ClinVar:

NM_001754.5(RUNX1):c.613+15T>C

Genes: RUNX1 (RUNX family transcription factor 1; minus strand), RUNX1-AS1 (RUNX1 antisense RNA 1; plus strand). Cytogenetic location: 21q22.12.
Variant type: single nucleotide variant.
Coding change: c.613+15T>C on transcript NM_001754.5 (MANE Select); 15 bases into the intron after coding-DNA position 613, T replaced by C.
Molecular consequence: intron variant.
Genome position (GRCh38, 1-based): chr21:34,859,459, A>G on the plus strand (T>C on the coding strand, the complement: RUNX1 is on the minus strand). VCF-style: chr21-34859459-A-G. GRCh37 (hg19) VCF-style: chr21-36231756-A-G.
Other names: c.532+15T>C (NM_001001890.3, NM_001122607.2).
Identifiers: ClinVar variation 1585169 (VCV001585169.9), dbSNP rs542887084, ClinGen allele CA10014474.

ClinVar aggregate classification (germline): Likely benign. Review status: reviewed by expert panel (3 of 4 stars). 2 submissions from 2 submitters: Likely benign (1). 1 of the submissions does not count toward it. Last evaluated 2024-11-04.

Conditions:
Hereditary thrombocytopenia and hematologic cancer predisposition syndrome. Identifiers: Orphanet 71290, MedGen CN281654, MONDO:0011071.
Hereditary thrombocytopenia and hematological cancer predisposition syndrome associated with RUNX1. Also called: RUNX1 Familial Platelet Disorder with Associated Myeloid Malignancies; Familial Platelet Disorder with Propensity to Acute Myelogenous Leukemia; Familial thrombocytopenia with propensity to acute myelogenous leukemia; PLATELET DISORDER, ASPIRIN-LIKE. Identifiers: Orphanet 71290, MedGen C1832388, MeSH C563324, MONDO:0100083, OMIM 601399.

Allele frequency attached by ClinVar (database versions not stated): gnomAD 0.00001 and 0.00002; TOPMed 0.00002; gnomAD exomes 0.00003 and 0.00005; ExAC 0.00007; 1000 Genomes Project 30x 0.00016; 1000 Genomes Project 0.00020.
gnomAD v4.1: 40 of 1,571,584 alleles (0.0025%); highest among the groups gnomAD compares: South Asian, 0.037%; no homozygotes.

Submissions (2):

ClinGen Myeloid Malignancy Variant Curation Expert Panel
Classification: Likely benign for Hereditary thrombocytopenia and hematologic cancer predisposition syndrome. Last evaluated: 2024-11-04. Review status: reviewed by expert panel. Criteria: ClinGen MyeloMalig ACMG Specifications v2. Collection method: curation. Allele origin: germline. Inheritance: Autosomal dominant inheritance.
Comment: NM_001754.5(RUNX1):c.613+15T>C is an intronic variant which has a SpliceAI score ≤ 0.20 (0.0) (BP4). This variant has a SpliceAI score ≤ 0.20 (0.0) and evolutionary conservation prediction algorithms predict the site as not being conserved (PhyloP score ≤ 2.0 (-0.18) (BP7). In summary, this variant meets criteria to be classified as likely benign. ACMG/AMP criteria applied, as specified by the Myeloid Malignancy Variant Curation Expert Panel for RUNX1: BP4, BP7.

Labcorp Genetics (formerly Invitae), Labcorp
Classification: Likely benign for Hereditary thrombocytopenia and hematological cancer predisposition syndrome associated with RUNX1. Last evaluated: 2025-02-13. Review status: criteria provided, single submitter. Criteria: Invitae Variant Classification Sherloc (09022015). Collection method: clinical testing. Allele origin: germline. Not counted in ClinVar's aggregate classification.